The following is an entry in ClinVar:

NM_001142864.4(PIEZO1):c.3667G>A (p.Val1223Ile)

Gene: PIEZO1 (piezo type mechanosensitive ion channel component 1 (Er blood group); minus strand). Cytogenetic location: 16q24.3.
Variant type: single nucleotide variant.
Coding change: c.3667G>A on transcript NM_001142864.4 (MANE Select); coding-DNA position 3667, G replaced by A.
Protein change: p.Val1223Ile; replaces valine 1223 with isoleucine.
Molecular consequence: missense variant.
Genome position (GRCh38, 1-based): chr16:88,726,747, C>T on the plus strand (G>A on the coding strand, the complement: PIEZO1 is on the minus strand). VCF-style: chr16-88726747-C-T. GRCh37 (hg19) VCF-style: chr16-88793155-C-T.
Other names: c.3667G>A, p.Val1223Ile (LRG_1137t1); short protein forms V1223I.
Identifiers: ClinVar variation 446042 (VCV000446042.57), dbSNP rs185326407, ClinGen allele CA8232431.

ClinVar aggregate classification (germline): Benign/Likely benign. Review status: criteria provided, multiple submitters, no conflicts (2 of 4 stars). 9 submissions from 9 submitters: Benign (2); Likely benign (6). 1 of the submissions does not count toward it. Last evaluated 2026-07-01.

Conditions:
PIEZO1-related disorder. Also called: PIEZO1-related condition; PIEZO1-Related Disorders.
Lymphatic malformation 6 (LMPHM6). Also called: GENERALIZED LYMPHATIC DYSPLASIA OF FOTIOU; Lymphedema, hereditary, III; PIEZO1-related generalized lymphatic dysplasia with non-immune hydrops fetalis. Identifiers: Orphanet 568062, MedGen C4225184, MONDO:0014797, OMIM 616843.

Allele frequency attached by ClinVar (database versions not stated): 1000 Genomes Project 30x 0.00094; 1000 Genomes Project 0.00120; ESP Exome Variant Server 0.00241; TOPMed 0.00275; gnomAD exomes 0.00281; gnomAD 0.00287 and 0.00296; ExAC 0.00341.
gnomAD v4.1: 6,233 of 1,549,974 alleles (0.4%); highest among the groups gnomAD compares: Non-Finnish European, 0.48%; 17 homozygotes.

Submissions (9):

CeGaT Center for Human Genetics Tuebingen
Classification: Likely benign. Last evaluated: 2026-07-01. Review status: criteria provided, single submitter. Criteria: CeGaT Center For Human Genetics Tuebingen Variant Classification Criteria Version 2. Collection method: clinical testing. Allele origin: germline. Affected: yes. Observed: 16 variant alleles.
Comment: PIEZO1: BS2

Labcorp Genetics (formerly Invitae), Labcorp
Classification: Likely benign. Last evaluated: 2026-01-09. Review status: criteria provided, single submitter. Criteria: Invitae Variant Classification Sherloc (09022015). Collection method: clinical testing. Allele origin: germline.

ARUP Laboratories, Molecular Genetics and Genomics, ARUP Laboratories
Classification: Benign. Last evaluated: 2025-05-06. Review status: criteria provided, single submitter. Criteria: ARUP Molecular Germline Variant Investigation Process 2024. Collection method: clinical testing. Allele origin: germline.

Blueprint Genetics
Classification: Likely benign. Last evaluated: 2024-11-22. Review status: criteria provided, single submitter. Criteria: ACMG Guidelines, 2015. Collection method: clinical testing. Allele origin: germline.

Mayo Clinic Laboratories, Mayo Clinic
Classification: Benign. Last evaluated: 2023-07-21. Review status: criteria provided, single submitter. Criteria: ACMG Guidelines, 2015. Collection method: clinical testing. Allele origin: germline. Observed: 17 variant alleles.

Genetics and Molecular Pathology, SA Pathology
Classification: Likely benign for Lymphatic malformation 6. Last evaluated: 2020-05-19. Review status: criteria provided, single submitter. Criteria: ACMG Guidelines, 2015. Collection method: clinical testing. Allele origin: germline. Inheritance: Autosomal recessive inheritance. Affected: yes.

Center for Pediatric Genomic Medicine, Children's Mercy Hospital and Clinics
Classification: Likely benign. Last evaluated: 2017-05-30. Review status: criteria provided, single submitter. Criteria: ACMG Guidelines, 2015. Collection method: clinical testing. Allele origin: germline.

Breakthrough Genomics
Classification: Likely benign. Review status: criteria provided, single submitter. Criteria: ACMG Guidelines, 2015. Collection method: not provided. Allele origin: germline. Inheritance: Autosomal recessive inheritance. Affected: yes.

PreventionGenetics, part of Exact Sciences
Classification: Likely benign for PIEZO1-related condition. Last evaluated: 2020-08-06. Review status: no assertion criteria provided. Collection method: clinical testing. Allele origin: germline. Not counted in ClinVar's aggregate classification.
Comment: This variant is classified as likely benign based on ACMG/AMP sequence variant interpretation guidelines (Richards et al. 2015 PMID: 25741868, with internal and published modifications).